The following is an entry in ClinVar:

NM_207122.2(EXT2):c.859del (p.Thr287fs)

Gene: EXT2 (exostosin glycosyltransferase 2; plus strand). Cytogenetic location: 11p11.2.
Variant type: Deletion.
Coding change: c.859del on transcript NM_207122.2 (MANE Select); coding-DNA position 859, one base deleted (A; older notation c.859delA).
Protein change: p.Thr287fs; shifts the reading frame from threonine 287.
Molecular consequence: frameshift variant.
Genome position (GRCh38, 1-based): chr11:44,124,904, A deleted. VCF-style (leftmost placement, unchanged base first): chr11-44124903-CA-C. GRCh37 (hg19) VCF-style: chr11-44146453-CA-C.
Other names: c.859del, p.Thr287fs (NM_001389628.1, NM_001389630.1, NM_001178083.3); c.958del, p.Thr320fs (NM_000401.3); short protein forms T287fs, T320fs.
Identifiers: ClinVar variation 2735579 (VCV002735579.3), dbSNP rs2539563253, ClinGen allele CA2695213857.

ClinVar aggregate classification (germline): Pathogenic (1 of 4 stars; one submission).

Conditions:
Exostoses, multiple, type 2 (EXT2). Also called: Hereditary Multiple Osteochondromatosis, Type II; EXOSTOSES, MULTIPLE, TYPE II. Identifiers: Orphanet 321, MedGen C1851413, MONDO:0007586, OMIM 133701.

Submission:

Labcorp Genetics (formerly Invitae), Labcorp
Classification: Pathogenic for Exostoses, multiple, type 2. Last evaluated: 2023-07-20. Review status: criteria provided, single submitter. Criteria: Invitae Variant Classification Sherloc (09022015). Collection method: clinical testing. Allele origin: germline.
Comment: For these reasons, this variant has been classified as Pathogenic. This premature translational stop signal has been observed in individual(s) with multiple osteochondromas (PMID: 19810120). This variant is not present in population databases (gnomAD no frequency). This sequence change creates a premature translational stop signal (p.Thr287Profs*45) in the EXT2 gene. It is expected to result in an absent or disrupted protein product. Loss-of-function variants in EXT2 are known to be pathogenic (PMID: 10679937, 19810120).

Literature cited by the submitters: PubMed 19810120; PubMed 10679937.